The following is an entry in ClinVar:

NM_000081.4(LYST):c.8612+5G>T

Gene: LYST (lysosomal trafficking regulator; minus strand). Cytogenetic location: 1q42.3.
Variant type: single nucleotide variant.
Coding change: c.8612+5G>T on transcript NM_000081.4 (MANE Select); 5 bases into the intron after coding-DNA position 8612, G replaced by T.
Molecular consequence: intron variant.
Genome position (GRCh38, 1-based): chr1:235,733,825, C>A on the plus strand (G>T on the coding strand, the complement: LYST is on the minus strand). VCF-style: chr1-235733825-C-A. GRCh37 (hg19) VCF-style: chr1-235897125-C-A.
Other names: c.8612+5G>T (NM_001301365.1).
Identifiers: ClinVar variation 2072433 (VCV002072433.3), dbSNP rs1015373910, ClinGen allele CA39599209.

ClinVar aggregate classification (germline): Uncertain significance. Review status: criteria provided, multiple submitters, no conflicts (2 of 4 stars). 2 submissions from 2 submitters: Uncertain significance (2). Last evaluated 2026-02-02.

Conditions:
Chédiak-Higashi syndrome (CHS). Also called: Chediak-Higashi Syndrome. Identifiers: Orphanet 167, MedGen C0007965, MONDO:0008963, OMIM 214500.
Inborn genetic diseases. Identifiers: MedGen C0950123, MeSH D030342.

Allele frequency attached by ClinVar (database versions not stated): gnomAD exomes below 0.00001; TOPMed 0.00002; gnomAD 0.00003.
gnomAD v4.1: 6 of 1,583,242 alleles (0.00038%); highest among the groups gnomAD compares: African/African-American, 0.0081%; no homozygotes.

Submissions (2):

Labcorp Genetics (formerly Invitae), Labcorp
Classification: Uncertain significance for Chédiak-Higashi syndrome. Last evaluated: 2026-02-02. Review status: criteria provided, single submitter. Criteria: Invitae Variant Classification Sherloc (09022015). Collection method: clinical testing. Allele origin: germline.
Comment: This sequence change falls in intron 33 of the LYST gene. It does not directly change the encoded amino acid sequence of the LYST protein. It affects a nucleotide within the consensus splice site. This variant is not present in population databases (gnomAD no frequency). This variant has not been reported in the literature in individuals affected with LYST-related conditions. ClinVar contains an entry for this variant (Variation ID: 2072433). Variants that disrupt the consensus splice site are a relatively common cause of aberrant splicing (PMID: 17576681, 9536098). Algorithms developed to predict the effect of sequence changes on RNA splicing suggest that this variant is not likely to affect RNA splicing. In summary, the available evidence is currently insufficient to determine the role of this variant in disease. Therefore, it has been classified as a Variant of Uncertain Significance.

Ambry Genetics
Classification: Uncertain significance for Inborn genetic diseases. Last evaluated: 2022-08-11. Review status: criteria provided, single submitter. Criteria: Ambry Variant Classification Scheme 2023. Collection method: clinical testing. Allele origin: germline.
Comment: The c.8612+5G>T intronic alteration consists of a G to T substitution nucleotides after coding exon 31 in the LYST gene. Based on insufficient or conflicting evidence, the clinical significance of this alteration remains unclear.

Literature cited by the submitters: PubMed 17576681 (cited by Labcorp Genetics (formerly Invitae), Labcorp); PubMed 9536098 (cited by Labcorp Genetics (formerly Invitae), Labcorp).